The following is an entry in ClinVar:

ClinVar aggregate classification (germline): Uncertain significance (1 of 4 stars; one submission).

Allele frequency attached by ClinVar (database versions not stated): gnomAD exomes below 0.00001 and 0.00001; ExAC 0.00001; TOPMed 0.00001.
gnomAD v4.1: 13 of 1,613,744 alleles (0.00081%); highest among the groups gnomAD compares: East Asian, 0.0089%; no homozygotes.

Submission:

Labcorp Genetics (formerly Invitae), Labcorp
Classification: Uncertain significance. Last evaluated: 2021-10-22. Review status: criteria provided, single submitter. Criteria: Invitae Variant Classification Sherloc (09022015). Collection method: clinical testing. Allele origin: germline.
Comment: This sequence change falls in intron 3 of the EXOSC2 gene. It does not directly change the encoded amino acid sequence of the EXOSC2 protein. It affects a nucleotide within the consensus splice site of the intron. This variant is present in population databases (rs776547436, ExAC 0.009%). This variant has not been reported in the literature in individuals with EXOSC2-related conditions. Nucleotide substitutions within the consensus splice site are a relatively common cause of aberrant splicing (PMID: 17576681, 9536098). Algorithms developed to predict the effect of sequence changes on RNA splicing suggest that this variant may disrupt the consensus splice site, but this prediction has not been confirmed by published transcriptional studies. In summary, the available evidence is currently insufficient to determine the role of this variant in disease. Therefore, it has been classified as a Variant of Uncertain Significance.

Literature cited by the submitters: PubMed 17576681; PubMed 9536098.

NM_014285.7(EXOSC2):c.270+6G>A

Gene: EXOSC2 (exosome component 2; plus strand). Cytogenetic location: 9q34.12.
Variant type: single nucleotide variant.
Coding change: c.270+6G>A on transcript NM_014285.7 (MANE Select); 6 bases into the intron after coding-DNA position 270, G replaced by A.
Molecular consequence: intron variant.
Genome position (GRCh38, 1-based): chr9:130,697,633, G>A. VCF-style: chr9-130697633-G-A. GRCh37 (hg19) VCF-style: chr9-133573020-G-A.
Other names: c.270+6G>A (NM_001282708.1, NM_001282709.1).
Identifiers: ClinVar variation 1017081 (VCV001017081.4), dbSNP rs776547436, ClinGen allele CA5284793.